The following is an entry in ClinVar:

ClinVar aggregate classification (germline): Pathogenic. Review status: criteria provided, multiple submitters, no conflicts (2 of 4 stars). 3 submissions from 3 submitters: Pathogenic (3). Last evaluated 2026-01-03.

Conditions:
Oculocutaneous albinism type 1. Also called: Albinism 1; ALBINISM I. Identifiers: Orphanet 352731, MedGen C0268494, MONDO:0018135. Disease mechanism: loss of function.

gnomAD v4.1: 2 of 1,614,164 alleles (0.00012%); highest among the groups gnomAD compares: Non-Finnish European, 0.00017%; no homozygotes.

Submissions (3):

Labcorp Genetics (formerly Invitae), Labcorp
Classification: Pathogenic. Last evaluated: 2026-01-03. Review status: criteria provided, single submitter. Criteria: Invitae Variant Classification Sherloc (09022015). Collection method: clinical testing. Allele origin: germline.
Comment: This sequence change creates a premature translational stop signal (p.Tyr85*) in the TYR gene. It is expected to result in an absent or disrupted protein product. Loss-of-function variants in TYR are known to be pathogenic (PMID: 23504663). This variant is present in population databases (rs746208814, gnomAD 0.002%). This premature translational stop signal has been observed in individual(s) with clinical features of oculocutaneous albinism (PMID: 20861488). ClinVar contains an entry for this variant (Variation ID: 1379731). For these reasons, this variant has been classified as Pathogenic.

Myriad Genetics, Inc.
Classification: Pathogenic for Oculocutaneous albinism type 1. Last evaluated: 2025-08-29. Review status: criteria provided, single submitter. Criteria: Myriad Autosomal Dominant, Autosomal Recessive and X-Linked Classification Criteria (2023). Collection method: clinical testing. Allele origin: unknown.
Comment: NM_000372.4(TYR):c.255T>A(Y85*) is a nonsense variant classified as pathogenic in the context of oculocutaneous albinism, TYR-related. Y85* has been observed in cases with relevant disease (PMID: 20861488). Relevant functional assessments of this variant are not available in the literature. Y85* has been observed in referenced population frequency databases. In summary, NM_000372.4(TYR):c.255T>A(Y85*) is a nonsense variant in a gene where loss of function is a known mechanism of disease, is predicted to disrupt protein function, and has been observed more frequently in cases with the relevant disease than in healthy populations. Please note: this variant was assessed in the context of healthy population screening.

GeneDx
Classification: Pathogenic. Last evaluated: 2023-02-23. Review status: criteria provided, single submitter. Criteria: GeneDx Variant Classification Process June 2021. Collection method: clinical testing. Allele origin: germline. Affected: yes.
Comment: Nonsense variant predicted to result in protein truncation or nonsense mediated decay in a gene for which loss of function is a known mechanism of disease; Not observed at significant frequency in large population cohorts (gnomAD); This variant is associated with the following publications: (PMID: 21541274, 20861488)

Literature cited by the submitters: PubMed 23504663 (cited by Labcorp Genetics (formerly Invitae), Labcorp); PubMed 20861488 (cited by Labcorp Genetics (formerly Invitae), Labcorp and Myriad Genetics, Inc.).

NM_000372.5(TYR):c.255T>A (p.Tyr85Ter)

Gene: TYR (tyrosinase; plus strand). Cytogenetic location: 11q14.3.
Variant type: single nucleotide variant.
Coding change: c.255T>A on transcript NM_000372.5 (MANE Select); coding-DNA position 255, T replaced by A.
Protein change: p.Tyr85Ter; replaces tyrosine 85 with a stop codon.
Molecular consequence: nonsense.
Genome position (GRCh38, 1-based): chr11:89,178,208, T>A. VCF-style: chr11-89178208-T-A. GRCh37 (hg19) VCF-style: chr11-88911376-T-A.
Other names: c.255T>A (NM_000372.4); short protein forms Y85*.
Identifiers: ClinVar variation 1379731 (VCV001379731.7), dbSNP rs746208814, ClinGen allele CA6221071.
Genomic context (GRCh38, chr11:89,178,208, plus strand): 5'-TGGGCCTCAATTTCCCTTCACAGGGGTGGATGACCGGGAGTCGTGGCCTTCCGTCTTTTA[T>A]AATAGGACCTGCCAGTGCTCTGGCAACTTCATGGGATTCAACTGTGGAAACTGCAAGTTT-3'